The following is an entry in ClinVar:

ClinVar aggregate classification (germline): Uncertain significance (1 of 4 stars; one submission).

gnomAD v4.1: 3 of 1,610,586 alleles (0.00019%); highest among the groups gnomAD compares: African/African-American, 0.0013%; no homozygotes.

Submission:

Women's Health and Genetics/Laboratory Corporation of America, LabCorp
Classification: Uncertain significance. Last evaluated: 2026-06-23. Review status: criteria provided, single submitter. Criteria: LabCorp Variant Classification Summary - May 2015. Collection method: clinical testing. Allele origin: germline.
Comment: Variant summary: GLDC c.2838+4C>A alters a nucleotide located close to a canonical splice site and therefore could affect mRNA splicing, leading to a significantly altered protein sequence. Consensus agreement among computation tools predict no significant impact on normal splicing. However, these predictions have yet to be confirmed by functional studies. The frequency data for this variant in gnomAD is considered unreliable, as metrics indicate poor data quality at this position. To our knowledge, no occurrence of c.2838+4C>A in individuals affected with GLDC-related conditions and no experimental evidence demonstrating its impact on protein function have been reported. No submitters have cited clinical-significance assessments for this variant to ClinVar. Based on the evidence outlined above, the variant was classified as uncertain significance.

NM_000170.3(GLDC):c.2838+4C>A

Gene: GLDC (glycine decarboxylase; minus strand). Cytogenetic location: 9p24.1.
Variant type: single nucleotide variant.
Coding change: c.2838+4C>A on transcript NM_000170.3 (MANE Select); 4 bases into the intron after coding-DNA position 2838, C replaced by A.
Molecular consequence: intron variant.
Genome position (GRCh38, 1-based): chr9:6,536,060, G>T on the plus strand (C>A on the coding strand, the complement: GLDC is on the minus strand). VCF-style: chr9-6536060-G-T. GRCh37 (hg19) VCF-style: chr9-6536060-G-T.
Identifiers: ClinVar variation 4887746 (VCV004887746.1).
Genomic context (GRCh38, chr9:6,536,060, plus strand): 5'-CACTGTCCAGACATCATTTTCTAGTTTAAGGAACATTTCAAGCAATGTTCCAGGGCCTAC[G>T]CACCTTCAGCGGATTGACCCTGGGGTCGATGCGGCCCTCCTCAATGTCAGCAATTTCCTG-3'